The following is an entry in ClinVar:

NM_032444.4(SLX4):c.4267A>G (p.Ile1423Val)

Gene: SLX4 (SLX4 structure-specific endonuclease subunit; minus strand). Cytogenetic location: 16p13.3.
Variant type: single nucleotide variant.
Coding change: c.4267A>G on transcript NM_032444.4 (MANE Select); coding-DNA position 4267, A replaced by G.
Protein change: p.Ile1423Val; replaces isoleucine 1423 with valine.
Molecular consequence: missense variant.
Genome position (GRCh38, 1-based): chr16:3,589,371, T>C on the plus strand (A>G on the coding strand, the complement: SLX4 is on the minus strand). VCF-style: chr16-3589371-T-C. GRCh37 (hg19) VCF-style: chr16-3639372-T-C.
Other names: c.4267A>G (LRG_503t1); short protein forms I1423V.
Identifiers: ClinVar variation 456321 (VCV000456321.12), dbSNP rs953994627, ClinGen allele CA276958396.
Genomic context (GRCh38, chr16:3,589,371, plus strand): 5'-GGTTCCAGTGGTCAATGGGAATTGGCGAGAGGGGCTCCATGTGCCAGCAGCAGTCGTCAA[T>C]TGGAATTGGGGGGTCACTGTCCAGTGGGGGGCTTCTGTTGGCCTGATGGGAGGCCACCTC-3'
Protein context (NP_115820.2, residues 1413-1433): PPLDSDPPIP[Ile1423Val]DDCCWHMEPL

ClinVar aggregate classification (germline): Conflicting classifications of pathogenicity. Review status: criteria provided, conflicting classifications (1 of 4 stars). 4 submissions from 4 submitters: Uncertain significance (2); Likely benign (2). Last evaluated 2024-09-14.

Conditions:
Inborn genetic diseases. Identifiers: MedGen C0950123, MeSH D030342.
Fanconi anemia complementation group P. Also called: SLX4-Related Fanconi Anemia. Identifiers: Orphanet 84, MedGen C3469542, MONDO:0013499, OMIM 613951.
Fanconi anemia (FA). Also called: Fanconi's anemia. Identifiers: Orphanet 84, MedGen C0015625, MeSH D005199, MONDO:0019391.

Allele frequency attached by ClinVar (database versions not stated): gnomAD exomes 0.00001; TOPMed 0.00003; gnomAD 0.00004 and 0.00005.
gnomAD v4.1: 20 of 1,587,670 alleles (0.0013%); highest among the groups gnomAD compares: Middle Eastern, 0.017%; no homozygotes.

Submissions (4):

Labcorp Genetics (formerly Invitae), Labcorp
Classification: Uncertain significance for Fanconi anemia. Last evaluated: 2024-09-14. Review status: criteria provided, single submitter. Criteria: Invitae Variant Classification Sherloc (09022015). Collection method: clinical testing. Allele origin: germline.
Comment: This sequence change replaces isoleucine, which is neutral and non-polar, with valine, which is neutral and non-polar, at codon 1423 of the SLX4 protein (p.Ile1423Val). This variant is present in population databases (no rsID available, gnomAD 0.009%). This variant has not been reported in the literature in individuals affected with SLX4-related conditions. ClinVar contains an entry for this variant (Variation ID: 456321). An algorithm developed to predict the effect of missense changes on protein structure and function outputs the following: PolyPhen-2: "Benign". The valine amino acid residue is found in multiple mammalian species, which suggests that this missense change does not adversely affect protein function. In summary, the available evidence is currently insufficient to determine the role of this variant in disease. Therefore, it has been classified as a Variant of Uncertain Significance.

Blueprint Genetics
Classification: Likely benign. Last evaluated: 2024-03-20. Review status: criteria provided, single submitter. Criteria: ACMG Guidelines, 2015. Collection method: clinical testing. Allele origin: germline.

Ambry Genetics
Classification: Likely benign for Inborn genetic diseases. Last evaluated: 2023-05-17. Review status: criteria provided, single submitter. Criteria: Ambry Variant Classification Scheme 2023. Collection method: clinical testing. Allele origin: germline.

Fulgent Genetics
Classification: Uncertain significance for Fanconi anemia complementation group P. Last evaluated: 2021-12-13. Review status: criteria provided, single submitter. Criteria: ACMG Guidelines, 2015. Collection method: clinical testing. Allele origin: unknown.